The following is an entry in ClinVar:

NM_032119.4(ADGRV1):c.6951+13G>A

Gene: ADGRV1 (adhesion G protein-coupled receptor V1; plus strand). Cytogenetic location: 5q14.3.
Variant type: single nucleotide variant.
Coding change: c.6951+13G>A on transcript NM_032119.4 (MANE Select); 13 bases into the intron after coding-DNA position 6951, G replaced by A.
Molecular consequence: intron variant.
Genome position (GRCh38, 1-based): chr5:90,691,054, G>A. VCF-style: chr5-90691054-G-A. GRCh37 (hg19) VCF-style: chr5-89986871-G-A.
Identifiers: ClinVar variation 517498 (VCV000517498.17), dbSNP rs143356203, ClinGen allele CA3339909.

ClinVar aggregate classification (germline): Conflicting classifications of pathogenicity. Review status: criteria provided, conflicting classifications (1 of 4 stars). 4 submissions from 4 submitters: Uncertain significance (1); Benign (2); Likely benign (1). Last evaluated 2026-02-04.

Conditions:
Usher syndrome type 2C. Also called: Usher syndrome, type 2B; USHER SYNDROME, TYPE IIC. Identifiers: Orphanet 231178, Orphanet 886, MedGen C2931213, MONDO:0011558, OMIM 605472.

Allele frequency attached by ClinVar (database versions not stated): gnomAD 0.00007 and 0.00021; gnomAD exomes 0.00017 and 0.00037; TOPMed 0.00023; ExAC 0.00040; 1000 Genomes Project 30x 0.00125; 1000 Genomes Project 0.00160.
gnomAD v4.1: 276 of 1,613,566 alleles (0.017%); highest among the groups gnomAD compares: East Asian, 0.57%; no homozygotes.

Submissions (4):

Labcorp Genetics (formerly Invitae), Labcorp
Classification: Benign. Last evaluated: 2026-02-04. Review status: criteria provided, single submitter. Criteria: Invitae Variant Classification Sherloc (09022015). Collection method: clinical testing. Allele origin: germline.

Blueprint Genetics
Classification: Likely benign. Last evaluated: 2023-01-23. Review status: criteria provided, single submitter. Criteria: ACMG Guidelines, 2015. Collection method: clinical testing. Allele origin: germline.

Illumina Laboratory Services, Illumina
Classification: Uncertain significance for Usher syndrome type 2C. Last evaluated: 2018-01-12. Review status: criteria provided, single submitter. Criteria: ICSL Variant Classification Criteria 13 December 2019. Collection method: clinical testing. Allele origin: germline.

Laboratory for Molecular Medicine, Mass General Brigham Personalized Medicine
Classification: Benign. Last evaluated: 2017-08-30. Review status: criteria provided, single submitter. Criteria: LMM Criteria. Collection method: clinical testing. Allele origin: germline. Observed: 1 variant allele.
Comment: c.6951+13G>A in intron 31 of GPR98: This variant is not expected to have clinica l significance because it is not located within the splice consensus sequence an d has been identified in 0.51% (96/18862) of East Asian chromosomes by the Genom e Aggregation Database (gnomAD; dbSNP rs14335 6203).